The following is an entry in ClinVar:

ClinVar aggregate classification (germline): Uncertain significance (1 of 4 stars; one submission).

Conditions:
Encephalopathy, acute, infection-induced (herpes-specific), susceptibility to, 1. Also called: Herpes simplex encephalitis, susceptibility to, 1. Identifiers: Orphanet 1930, MedGen C2750180, MONDO:0024563, OMIM 610551.

Allele frequency attached by ClinVar (database versions not stated): gnomAD 0.00001; TOPMed 0.00002; 1000 Genomes Project 0.00020; ExAC 0.00004; 1000 Genomes Project 30x 0.00016.
gnomAD v4.1: 53 of 1,614,160 alleles (0.0033%); highest among the groups gnomAD compares: Admixed American, 0.022%; no homozygotes.

Submission:

Labcorp Genetics (formerly Invitae), Labcorp
Classification: Uncertain significance for Encephalopathy, acute, infection-induced (herpes-specific), susceptibility to, 1. Last evaluated: 2024-10-10. Review status: criteria provided, single submitter. Criteria: Invitae Variant Classification Sherloc (09022015). Collection method: clinical testing. Allele origin: germline.
Comment: This sequence change replaces arginine, which is basic and polar, with histidine, which is basic and polar, at codon 506 of the TLR3 protein (p.Arg506His). This variant is present in population databases (rs199658443, gnomAD 0.04%). This variant has not been reported in the literature in individuals affected with TLR3-related conditions. ClinVar contains an entry for this variant (Variation ID: 1355274). An algorithm developed to predict the effect of missense changes on protein structure and function outputs the following: PolyPhen-2: "Benign". The histidine amino acid residue is found in multiple mammalian species, which suggests that this missense change does not adversely affect protein function. In summary, the available evidence is currently insufficient to determine the role of this variant in disease. Therefore, it has been classified as a Variant of Uncertain Significance.

NM_003265.3(TLR3):c.1517G>A (p.Arg506His)

Gene: TLR3 (toll like receptor 3; plus strand). Cytogenetic location: 4q35.1.
Variant type: single nucleotide variant.
Coding change: c.1517G>A on transcript NM_003265.3 (MANE Select); coding-DNA position 1517, G replaced by A.
Protein change: p.Arg506His; replaces arginine 506 with histidine.
Molecular consequence: missense variant.
Genome position (GRCh38, 1-based): chr4:186,083,203, G>A. VCF-style: chr4-186083203-G-A. GRCh37 (hg19) VCF-style: chr4-187004357-G-A.
Other names: short protein forms R506H.
Identifiers: ClinVar variation 1355274 (VCV001355274.8), dbSNP rs199658443, ClinGen allele CA3161424.